The following is an entry in ClinVar:

ClinVar aggregate classification (germline): Uncertain significance. Review status: criteria provided, multiple submitters, no conflicts (2 of 4 stars). 2 submissions from 2 submitters: Uncertain significance (2). Last evaluated 2025-12-11.

Conditions:
Idiopathic generalized epilepsy. Also called: Generalised epilepsy; EIG. Identifiers: MedGen C0270850, MONDO:0005579, OMIM 600669.
Inborn genetic diseases. Identifiers: MedGen C0950123, MeSH D030342.

Allele frequency attached by ClinVar (database versions not stated): gnomAD 0.00001; TOPMed 0.00001.
gnomAD v4.1: 2 of 1,613,366 alleles (0.00012%); highest among the groups gnomAD compares: African/African-American, 0.0027%; no homozygotes.

Submissions (2):

Ambry Genetics
Classification: Uncertain significance for Inborn genetic diseases. Last evaluated: 2025-12-11. Review status: criteria provided, single submitter. Criteria: Ambry Variant Classification Scheme 2023. Collection method: clinical testing. Allele origin: germline.

Labcorp Genetics (formerly Invitae), Labcorp
Classification: Uncertain significance for Idiopathic generalized epilepsy. Last evaluated: 2022-06-27. Review status: criteria provided, single submitter. Criteria: Invitae Variant Classification Sherloc (09022015). Collection method: clinical testing. Allele origin: germline.
Comment: The frequency data for this variant in the population databases is considered unreliable, as metrics indicate poor data quality at this position in the gnomAD database. This sequence change replaces aspartic acid, which is acidic and polar, with asparagine, which is neutral and polar, at codon 311 of the GABRD protein (p.Asp311Asn). This variant has not been reported in the literature in individuals affected with GABRD-related conditions. In summary, the available evidence is currently insufficient to determine the role of this variant in disease. Therefore, it has been classified as a Variant of Uncertain Significance. Algorithms developed to predict the effect of missense changes on protein structure and function are either unavailable or do not agree on the potential impact of this missense change (SIFT: "Tolerated"; PolyPhen-2: "Probably Damaging"; Align-GVGD: "Class C0").

NM_000815.5(GABRD):c.931G>A (p.Asp311Asn)

Gene: GABRD (gamma-aminobutyric acid type A receptor subunit delta; plus strand). Cytogenetic location: 1p36.33.
Variant type: single nucleotide variant.
Coding change: c.931G>A on transcript NM_000815.5 (MANE Select); coding-DNA position 931, G replaced by A.
Protein change: p.Asp311Asn; replaces aspartic acid 311 with asparagine.
Molecular consequence: missense variant.
Genome position (GRCh38, 1-based): chr1:2,029,634, G>A. VCF-style: chr1-2029634-G-A. GRCh37 (hg19) VCF-style: chr1-1961073-G-A.
Other names: c.931G>A (NM_000815.4); short protein forms D311N.
Identifiers: ClinVar variation 1468937 (VCV001468937.7), dbSNP rs1248660340, ClinGen allele CA337960063.
Genomic context (GRCh38, chr1:2,029,634, plus strand): 5'-ACCACGCTCATGGTCAGTGCCCGCTCCTCCCTGCCACGGGCATCAGCCATCAAGGCACTG[G>A]ACGTCTACTTCTGGATCTGCTATGTCTTCGTGTTTGCCGCCCTGGTGGAGTACGCCTTTG-3'
Protein context (NP_000806.2, residues 301-321): LPRASAIKAL[Asp311Asn]VYFWICYVFV